The following is an entry in ClinVar:

ClinVar aggregate classification (germline): Conflicting classifications of pathogenicity. Review status: criteria provided, conflicting classifications (1 of 4 stars). 3 submissions from 3 submitters: Uncertain significance (2); Likely benign (1). Last evaluated 2025-09-11.

Conditions:
MEGF10-related myopathy (CMYO10A). Also called: Congenital myopathy 10A, severe variant. Identifiers: Orphanet 439212, MedGen C3280679, MONDO:0013731, OMIM 614399.
Inborn genetic diseases. Identifiers: MedGen C0950123, MeSH D030342.

Allele frequency attached by ClinVar (database versions not stated): gnomAD 0.00003; TOPMed 0.00010; 1000 Genomes Project 30x 0.00016; ESP Exome Variant Server 0.00023.
gnomAD v4.1: 157 of 1,613,782 alleles (0.0097%); highest among the groups gnomAD compares: South Asian, 0.091%; no homozygotes.

Submissions (3):

Ambry Genetics
Classification: Likely benign for Inborn genetic diseases. Last evaluated: 2025-09-11. Review status: criteria provided, single submitter. Criteria: Ambry Variant Classification Scheme 2023. Collection method: clinical testing. Allele origin: germline.

Labcorp Genetics (formerly Invitae), Labcorp
Classification: Uncertain significance for MEGF10-related myopathy. Last evaluated: 2022-08-31. Review status: criteria provided, single submitter. Criteria: Invitae Variant Classification Sherloc (09022015). Collection method: clinical testing. Allele origin: germline.
Comment: This sequence change replaces valine, which is neutral and non-polar, with isoleucine, which is neutral and non-polar, at codon 902 of the MEGF10 protein (p.Val902Ile). This variant is present in population databases (rs138034219, gnomAD 0.1%). This variant has not been reported in the literature in individuals affected with MEGF10-related conditions. ClinVar contains an entry for this variant (Variation ID: 472737). Algorithms developed to predict the effect of missense changes on protein structure and function output the following: SIFT: "Tolerated"; PolyPhen-2: "Benign"; Align-GVGD: "Class C0". The isoleucine amino acid residue is found in multiple mammalian species, which suggests that this missense change does not adversely affect protein function. In summary, the available evidence is currently insufficient to determine the role of this variant in disease. Therefore, it has been classified as a Variant of Uncertain Significance.

Illumina Laboratory Services, Illumina
Classification: Uncertain significance for MEGF10-related myopathy. Last evaluated: 2018-01-12. Review status: criteria provided, single submitter. Criteria: ICSL Variant Classification Criteria 13 December 2019. Collection method: clinical testing. Allele origin: germline.

NM_001256545.2(MEGF10):c.2704G>A (p.Val902Ile)

Gene: MEGF10 (multiple EGF like domains 10; plus strand). Cytogenetic location: 5q23.2.
Variant type: single nucleotide variant.
Coding change: c.2704G>A on transcript NM_001256545.2 (MANE Select); coding-DNA position 2704, G replaced by A.
Protein change: p.Val902Ile; replaces valine 902 with isoleucine.
Molecular consequence: missense variant.
Genome position (GRCh38, 1-based): chr5:127,445,669, G>A. VCF-style: chr5-127445669-G-A. GRCh37 (hg19) VCF-style: chr5-126781361-G-A.
Other names: c.2704G>A, p.Val902Ile (NM_032446.3); short protein forms V902I.
Identifiers: ClinVar variation 472737 (VCV000472737.9), dbSNP rs138034219, ClinGen allele CA3391992.